The following is an entry in ClinVar:

NM_033305.3(VPS13A):c.5522T>A (p.Leu1841Ter)

Gene: VPS13A (vacuolar protein sorting 13 homolog A; plus strand). Cytogenetic location: 9q21.2.
Variant type: single nucleotide variant.
Coding change: c.5522T>A on transcript NM_033305.3 (MANE Select); coding-DNA position 5522, T replaced by A.
Protein change: p.Leu1841Ter; replaces leucine 1841 with a stop codon.
Molecular consequence: nonsense.
Genome position (GRCh38, 1-based): chr9:77,321,275, T>A. VCF-style: chr9-77321275-T-A. GRCh37 (hg19) VCF-style: chr9-79936191-T-A.
Other names: c.5522T>A, p.Leu1841Ter (NM_015186.4, NM_001018038.3); c.5405T>A, p.Leu1802Ter (NM_001018037.2); short protein forms L1841*, L1802*.
Identifiers: ClinVar variation 2992854 (VCV002992854.4), dbSNP rs1829728493, ClinGen allele CA373862730.

ClinVar aggregate classification (germline): Pathogenic (1 of 4 stars; one submission).

gnomAD v4.1: 3 of 1,610,572 alleles (0.00019%); highest among the groups gnomAD compares: Non-Finnish European, 0.000085%; no homozygotes.

Submission:

Labcorp Genetics (formerly Invitae), Labcorp
Classification: Pathogenic. Last evaluated: 2022-11-19. Review status: criteria provided, single submitter. Criteria: Invitae Variant Classification Sherloc (09022015). Collection method: clinical testing. Allele origin: germline.
Comment: For these reasons, this variant has been classified as Pathogenic. This variant has not been reported in the literature in individuals affected with VPS13A-related conditions. This variant is not present in population databases (gnomAD no frequency). This sequence change creates a premature translational stop signal (p.Leu1841*) in the VPS13A gene. It is expected to result in an absent or disrupted protein product. Loss-of-function variants in VPS13A are known to be pathogenic (PMID: 12404112, 21598378).

Literature cited by the submitters: PubMed 12404112; PubMed 21598378.